The following is an entry in ClinVar:

ClinVar aggregate classification (germline): Pathogenic/Likely pathogenic. Review status: criteria provided, multiple submitters, no conflicts (2 of 4 stars). 3 submissions from 3 submitters: Pathogenic (2); Likely pathogenic (1). Last evaluated 2024-12-10.

Conditions:
VPS13A-related neurodegenerative disease. Also called: ACANTHOCYTOSIS WITH NEUROLOGIC DISORDER; LEVINE-CRITCHLEY SYNDROME; VPS13A Disease; Choreoacanthocytosis; Chorea-acanthocytosis; Choreaacanthocytosis. Identifiers: Orphanet 2388, MedGen C0393576, MONDO:0008695, OMIM 200150.

Allele frequency attached by ClinVar (database versions not stated): gnomAD exomes below 0.00001.
gnomAD v4.1: 2 of 1,613,190 alleles (0.00012%); highest among the groups gnomAD compares: South Asian, 0.0011%; no homozygotes.

Submissions (3):

Women's Health and Genetics/Laboratory Corporation of America, LabCorp
Classification: Likely pathogenic for VPS13A-related neurodegenerative disease. Last evaluated: 2024-12-10. Review status: criteria provided, single submitter. Criteria: LabCorp Variant Classification Summary - May 2015. Collection method: clinical testing. Allele origin: germline.
Comment: Variant summary: VPS13A c.9276-2A>T is located in a canonical splice-site and is predicted to affect mRNA splicing resulting in a significantly altered protein due to either exon skipping, shortening, or inclusion of intronic material. Variants that disrupt the consensus splice site are a relatively common cause of aberrant splicing and loss of VPS13A function. Several computational tools predict a significant impact on normal splicing: Four predict the variant abolishes a 3' acceptor site. However, these predictions have yet to be confirmed by functional studies. The variant was absent in 251086 control chromosomes. c.9276-2A>T has been reported in the literature in individuals affected with Choreoacanthocytosis, including as a homozygous and compound heterozygous genotype (e.g. Dobson-Stone_2002, Tomiyasu_2011). These data indicate that the variant may be associated with disease. To our knowledge, no experimental evidence demonstrating an impact on protein function has been reported. The following publications have been ascertained in the context of this evaluation (PMID: 12404112, 21598378). ClinVar contains an entry for this variant (Variation ID: 2136783). Based on the evidence outlined above, the variant was classified as likely pathogenic.

Natera, Inc.
Classification: Pathogenic for Choreaacanthocytosis. Last evaluated: 2024-07-31. Review status: criteria provided, single submitter. Criteria: Natera Variant Classification Schema (03/2026). Collection method: clinical testing. Allele origin: germline.
Comment: The c.9276-2A>T variant in VPS13A is a canonical splice acceptor site variant predicted to affect pre-mRNA splicing, which may result in an abnormal transcript and altered protein product. This variant is expected to result in nonsense mediated decay, truncation, or a dysfunctional protein product. This variant is rare in the general population with a frequency below the threshold expected for the associated phenotype(s). This variant has been observed in one or more individuals affected with the associated recessive disease, as either homozygous or compound heterozygous with a second variant (PMID: 21598378). Given the available evidence, this variant is classified as Pathogenic.

Labcorp Genetics (formerly Invitae), Labcorp
Classification: Pathogenic. Last evaluated: 2022-06-19. Review status: criteria provided, single submitter. Criteria: Invitae Variant Classification Sherloc (09022015). Collection method: clinical testing. Allele origin: germline.
Comment: For these reasons, this variant has been classified as Pathogenic. Algorithms developed to predict the effect of sequence changes on RNA splicing suggest that this variant may disrupt the consensus splice site. Disruption of this splice site has been observed in individuals with choreoacanthocytosis (PMID: 12404112, 21598378). This variant is not present in population databases (gnomAD no frequency). This sequence change affects an acceptor splice site in intron 69 of the VPS13A gene. It is expected to disrupt RNA splicing. Variants that disrupt the donor or acceptor splice site typically lead to a loss of protein function (PMID: 16199547), and loss-of-function variants in VPS13A are known to be pathogenic (PMID: 12404112, 21598378).

Literature cited by the submitters: PubMed 21598378 (cited by 3 submitters); PubMed 12404112 (cited by Women's Health and Genetics/Laboratory Corporation of America, LabCorp and Labcorp Genetics (formerly Invitae), Labcorp); PubMed 16199547 (cited by Labcorp Genetics (formerly Invitae), Labcorp).

NM_033305.3(VPS13A):c.9276-2A>T

Gene: VPS13A (vacuolar protein sorting 13 homolog A; plus strand). Cytogenetic location: 9q21.2.
Variant type: single nucleotide variant.
Coding change: c.9276-2A>T on transcript NM_033305.3 (MANE Select); the canonical splice acceptor site of the intron before coding-DNA position 9276, A replaced by T.
Molecular consequence: splice acceptor variant.
Genome position (GRCh38, 1-based): chr9:77,405,862, A>T. VCF-style: chr9-77405862-A-T. GRCh37 (hg19) VCF-style: chr9-80020778-A-T.
Other names: c.9159-2A>T (NM_001018037.2); c.9276-2A>T (NM_033305.2).
Identifiers: ClinVar variation 2136783 (VCV002136783.6), dbSNP rs2538317743, ClinGen allele CA373854004.